The following is an entry in ClinVar:

ClinVar aggregate classification (germline): Uncertain significance. Review status: criteria provided, multiple submitters, no conflicts (2 of 4 stars). 3 submissions from 3 submitters: Uncertain significance (3). Last evaluated 2024-05-08.

Conditions:
Autosomal recessive inherited pseudoxanthoma elasticum (PXE). Identifiers: Orphanet 758, MedGen CN032334, MONDO:0009925, OMIM 264800.
Pseudoxanthoma elasticum, forme fruste. Also called: Pseudoxanthoma Elasticum, Incomplete; PSEUDOXANTHOMA ELASTICUM, HETEROZYGOUS. Identifiers: Orphanet 758, MedGen C1867450, MONDO:0008333, OMIM 177850.
Arterial calcification, generalized, of infancy, 2. Identifiers: Orphanet 51608, MedGen C3276161, MONDO:0013768, OMIM 614473.

gnomAD v4.1: 10 of 1,560,064 alleles (0.00064%); highest among the groups gnomAD compares: East Asian, 0.012%; no homozygotes.

Submissions (3):

Fulgent Genetics
Classification: Uncertain significance for Pseudoxanthoma elasticum, forme fruste; Autosomal recessive inherited pseudoxanthoma elasticum; Arterial calcification, generalized, of infancy, 2. Last evaluated: 2024-05-08. Review status: criteria provided, single submitter. Criteria: ACMG Guidelines, 2015. Collection method: clinical testing. Allele origin: germline.

Blueprint Genetics
Classification: Uncertain significance. Last evaluated: 2023-01-20. Review status: criteria provided, single submitter. Criteria: ACMG Guidelines, 2015. Collection method: clinical testing. Allele origin: germline.

Labcorp Genetics (formerly Invitae), Labcorp
Classification: Uncertain significance. Last evaluated: 2022-05-12. Review status: criteria provided, single submitter. Criteria: Invitae Variant Classification Sherloc (09022015). Collection method: clinical testing. Allele origin: germline.
Comment: This sequence change replaces arginine, which is basic and polar, with cysteine, which is neutral and slightly polar, at codon 940 of the ABCC6 protein (p.Arg940Cys). The frequency data for this variant in the population databases is considered unreliable, as metrics indicate poor data quality at this position in the gnomAD database. This variant has not been reported in the literature in individuals affected with ABCC6-related conditions. Algorithms developed to predict the effect of missense changes on protein structure and function are either unavailable or do not agree on the potential impact of this missense change (SIFT: "Deleterious"; PolyPhen-2: "Possibly Damaging"; Align-GVGD: "Class C15"). In summary, the available evidence is currently insufficient to determine the role of this variant in disease. Therefore, it has been classified as a Variant of Uncertain Significance.

NM_001171.6(ABCC6):c.2818C>T (p.Arg940Cys)

Gene: ABCC6 (ATP binding cassette subfamily C member 6; minus strand). Cytogenetic location: 16p13.11.
Variant type: single nucleotide variant.
Coding change: c.2818C>T on transcript NM_001171.6 (MANE Select); coding-DNA position 2818, C replaced by T.
Protein change: p.Arg940Cys; replaces arginine 940 with cysteine.
Molecular consequence: missense variant. On other transcripts: non-coding transcript variant (1).
Genome position (GRCh38, 1-based): chr16:16,169,823, G>A on the plus strand (C>T on the coding strand, the complement: ABCC6 is on the minus strand). VCF-style: chr16-16169823-G-A. GRCh37 (hg19) VCF-style: chr16-16263680-G-A.
Other names: c.2476C>T, p.Arg826Cys (NM_001351800.1); short protein forms R826C, R940C.
Identifiers: ClinVar variation 2181881 (VCV002181881.3), dbSNP rs1342646819, ClinGen allele CA394885004.
Genomic context (GRCh38, chr16:16,169,823, plus strand): 5'-CCACTTGCTGGCAGAGGAAGAGGAAGAGTGCGTAGAGGCAGAGGGGGGTGCCCACGGCAC[G>A]CAGGTAGGCCAGGTGCACTGTGGCCTTCACCTGTAGCACACATGAGGGAGAGGGAGGCAG-3'
Protein context (NP_001162.5, residues 930-950): VKATVHLAYL[Arg940Cys]AVGTPLCLYA